The following is an entry in ClinVar:

NM_170707.4(LMNA):c.1157+1G>C

Gene: LMNA (lamin A/C; plus strand). Cytogenetic location: 1q22.
Variant type: single nucleotide variant.
Coding change: c.1157+1G>C on transcript NM_170707.4 (MANE Select); the canonical splice donor site of the intron after coding-DNA position 1157, G replaced by C.
Molecular consequence: splice donor variant.
Genome position (GRCh38, 1-based): chr1:156,136,122, G>C. VCF-style: chr1-156136122-G-C. GRCh37 (hg19) VCF-style: chr1-156105913-G-C.
Other names: c.1157+1G>C (NM_170707.2, NM_001406983.1, NM_001282625.2 and 7 more transcripts); c.599+1G>C (NM_001407002.1, NM_001406993.1, NM_001407003.1 and 4 more transcripts); c.533+1G>C (NM_001406999.1, NM_001407000.1, NM_001406994.1 and 1 more transcripts); c.914+1G>C (NM_001406986.1, NM_001406987.1, NM_001282624.2); c.821+1G>C (NM_001406989.1, NM_001257374.3, NM_001406998.1); c.860+1G>C (NM_001406988.1).
Identifiers: ClinVar variation 2582866 (VCV002582866.26), dbSNP rs267607590, ClinGen allele CA342820690.

ClinVar aggregate classification (germline): Conflicting classifications of pathogenicity. Review status: criteria provided, conflicting classifications (1 of 4 stars). 2 submissions from 2 submitters: Pathogenic (1); Uncertain significance (1). Last evaluated 2024-10-09.

Conditions:
Cardiovascular phenotype. Identifiers: MedGen CN230736.

Submissions (2):

Ambry Genetics
Classification: Uncertain significance for Cardiovascular phenotype. Last evaluated: 2024-10-09. Review status: criteria provided, single submitter. Criteria: Ambry Variant Classification Scheme 2023. Collection method: clinical testing. Allele origin: germline.
Comment: The c.1157+1G>C intronic variant results from a G to C substitution one nucleotide after coding exon 6 of the LMNA gene. Alterations that disrupt the canonical splice site are expected to result in aberrant splicing. In silico splice site analysis predicts that this alteration will weaken the native splice donor site. The resulting transcript is predicted to be in-frame and is not expected to trigger nonsense-mediated mRNAdecay; however, direct evidence is unavailable. The exact functional effect of the altered amino acid sequence is unknown. This nucleotide position is highly conserved in available vertebrate species. Based on the available evidence, the clinical significance of this variant remains unclear.

CeGaT Center for Human Genetics Tuebingen
Classification: Pathogenic. Last evaluated: 2024-03-01. Review status: criteria provided, single submitter. Criteria: CeGaT Center For Human Genetics Tuebingen Variant Classification Criteria Version 2. Collection method: clinical testing. Allele origin: germline. Affected: yes. Observed: 4 variant alleles.
Comment: LMNA: PVS1, PM2